The following is an entry in ClinVar:

ClinVar aggregate classification (germline): Conflicting classifications of pathogenicity. Review status: criteria provided, conflicting classifications (1 of 4 stars). 3 submissions from 3 submitters: Uncertain significance (2); Likely benign (1). Last evaluated 2023-12-18.

Conditions:
Cardiomyopathy (CMYO). Also called: Cardiomyopathies. Identifiers: Orphanet 167848, MedGen C0878544, MONDO:0004994, HP:0001638. Inheritance: Various modes of inheritance.
Catecholaminergic polymorphic ventricular tachycardia 1. Also called: VENTRICULAR TACHYCARDIA, STRESS-INDUCED POLYMORPHIC 1; VENTRICULAR TACHYCARDIA, CATECHOLAMINERGIC POLYMORPHIC, 1, WITH OR WITHOUT ATRIAL DYSFUNCTION AND/OR DILATED CARDIOMYOPATHY; RYR2-Related Catecholaminergic Polymorphic Ventricular Tachycardia. Identifiers: Orphanet 3286, MedGen C1631597, MONDO:0011484, OMIM 604772.
Catecholaminergic polymorphic ventricular tachycardia (CVPT). Also called: Catecholamine-induced polymorphic ventricular tachycardia. Identifiers: Orphanet 3286, MedGen C5574922, MONDO:0017990.

Allele frequency attached by ClinVar (database versions not stated): gnomAD exomes below 0.00001; TOPMed below 0.00001.
gnomAD v4.1: 2 of 1,607,414 alleles (0.00012%); highest among the groups gnomAD compares: Non-Finnish European, 0.00017%; no homozygotes.

Submissions (3):

All of Us Research Program, National Institutes of Health
Classification: Uncertain significance for Catecholaminergic polymorphic ventricular tachycardia. Last evaluated: 2023-12-18. Review status: criteria provided, single submitter. Criteria: ACMG Guidelines, 2015. Collection method: clinical testing. Allele origin: germline. Inheritance: Autosomal dominant inheritance. Observed: 1 variant allele, 1 heterozygote.
Comment: This variant causes a T to A nucleotide substitution at the -15 position of intron 47 of the RYR2 gene. To our knowledge, functional studies have not been reported for this variant. This variant has not been reported in individuals affected with cardiovascular disorders in the literature. This variant has not been identified in the general population by the Genome Aggregation Database (gnomAD). The available evidence is insufficient to determine the role of this variant in disease conclusively. Therefore, this variant is classified as a Variant of Uncertain Significance.

This study involves interpretation of variants in research participants for the purpose of population health screening. Participant phenotype was not available at the time of variant classification. Additional details can be found in publication PMID: 35346344, PMCID: PMC8962531

Color Diagnostics, LLC DBA Color Health
Classification: Uncertain significance for Cardiomyopathy. Last evaluated: 2023-11-30. Review status: criteria provided, single submitter. Criteria: ACMG Guidelines, 2015. Collection method: clinical testing. Allele origin: germline.
Comment: This variant causes a T to A nucleotide substitution at the -15 position of intron 47 of the RYR2 gene. To our knowledge, functional studies have not been reported for this variant. This variant has not been reported in individuals affected with cardiovascular disorders in the literature. This variant has not been identified in the general population by the Genome Aggregation Database (gnomAD). The available evidence is insufficient to determine the role of this variant in disease conclusively. Therefore, this variant is classified as a Variant of Uncertain Significance.

Labcorp Genetics (formerly Invitae), Labcorp
Classification: Likely benign for Catecholaminergic polymorphic ventricular tachycardia 1. Last evaluated: 2022-06-23. Review status: criteria provided, single submitter. Criteria: Invitae Variant Classification Sherloc (09022015). Collection method: clinical testing. Allele origin: germline.

NM_001035.3(RYR2):c.7222-15T>A

Gene: RYR2 (ryanodine receptor 2; plus strand). Cytogenetic location: 1q43.
Variant type: single nucleotide variant.
Coding change: c.7222-15T>A on transcript NM_001035.3 (MANE Select); 15 bases into the intron before coding-DNA position 7222, T replaced by A.
Molecular consequence: intron variant.
Genome position (GRCh38, 1-based): chr1:237,643,312, T>A. VCF-style: chr1-237643312-T-A. GRCh37 (hg19) VCF-style: chr1-237806612-T-A.
Identifiers: ClinVar variation 1171451 (VCV001171451.10), dbSNP rs1681763241, ClinGen allele CA2487424688.